The following is an entry in ClinVar:

ClinVar aggregate classification (germline): Uncertain significance (1 of 4 stars; one submission).

gnomAD v4.1: 2 of 1,612,688 alleles (0.00012%); highest among the groups gnomAD compares: Non-Finnish European, 0.00017%; no homozygotes.

Submission:

Mayo Clinic Laboratories, Mayo Clinic
Classification: Uncertain significance. Last evaluated: 2024-02-09. Review status: criteria provided, single submitter. Criteria: ACMG Guidelines, 2015. Collection method: clinical testing. Allele origin: germline. Observed: 1 variant allele.
Comment: BP4, PP2, PM2_moderate

NM_015192.4(PLCB1):c.815A>G (p.Gln272Arg)

Gene: PLCB1 (phospholipase C beta 1; plus strand). Cytogenetic location: 20p12.3.
Variant type: single nucleotide variant.
Coding change: c.815A>G on transcript NM_015192.4 (MANE Select); coding-DNA position 815, A replaced by G.
Protein change: p.Gln272Arg; replaces glutamine 272 with arginine.
Molecular consequence: missense variant.
Genome position (GRCh38, 1-based): chr20:8,658,657, A>G. VCF-style: chr20-8658657-A-G. GRCh37 (hg19) VCF-style: chr20-8639304-A-G.
Other names: p.Gln272Arg; c.815A>G, p.Gln272Arg (NM_182734.3); short protein forms Q272R.
Identifiers: ClinVar variation 3380651 (VCV003380651.1).
Genomic context (GRCh38, chr20:8,658,657, plus strand): 5'-AGCAGCGAGATCCTCGGCTTAATGAAATACTTTATCCACCTCTAAAACAAGAGCAAGTCC[A>G]AGTATTGATTGAGAAGTATGAACCCAACAACAGCCTCGCCAGAAAAGGTCAGTACTTTCT-3'
Protein context (NP_056007.1, residues 262-282): LYPPLKQEQV[Gln272Arg]VLIEKYEPNN